The following is an entry in ClinVar:

ClinVar aggregate classification (germline): Likely benign (0 of 4 stars; one submission).

Conditions:
CHD4-related disorder. Also called: CHD4-related condition.

gnomAD v4.1: 3 of 1,613,932 alleles (0.00019%); highest among the groups gnomAD compares: African/African-American, 0.004%; no homozygotes.

Submission:

PreventionGenetics, part of Exact Sciences
Classification: Likely benign for CHD4-related condition. Last evaluated: 2024-06-18. Review status: no assertion criteria provided. Collection method: clinical testing. Allele origin: germline.
Comment: This variant is classified as likely benign based on ACMG/AMP sequence variant interpretation guidelines (Richards et al. 2015 PMID: 25741868, with internal and published modifications).

NM_001273.5(CHD4):c.1011C>T (p.Ser337=)

Gene: CHD4 (chromodomain helicase DNA binding protein 4; minus strand). Cytogenetic location: 12p13.31.
Variant type: single nucleotide variant.
Coding change: c.1011C>T on transcript NM_001273.5 (MANE Select); coding-DNA position 1011, C replaced by T.
Protein change: p.Ser337=; no amino-acid change (serine 337 retained).
Molecular consequence: synonymous variant.
Genome position (GRCh38, 1-based): chr12:6,600,586, G>A on the plus strand (C>T on the coding strand, the complement: CHD4 is on the minus strand). VCF-style: chr12-6600586-G-A. GRCh37 (hg19) VCF-style: chr12-6709752-G-A.
Other names: c.990C>T, p.Ser330= (NM_001297553.2); c.1011C>T, p.Ser337= (NM_001363606.2).
Identifiers: ClinVar variation 3347484 (VCV003347484.1).